The following is an entry in ClinVar:

NM_015474.4(SAMHD1):c.1475A>C (p.Lys492Thr)

Gene: SAMHD1 (SAM and HD domain containing deoxynucleoside triphosphate triphosphohydrolase 1; minus strand). Cytogenetic location: 20q11.23.
Variant type: single nucleotide variant.
Coding change: c.1475A>C on transcript NM_015474.4 (MANE Select); coding-DNA position 1475, A replaced by C.
Protein change: p.Lys492Thr; replaces lysine 492 with threonine.
Molecular consequence: missense variant.
Genome position (GRCh38, 1-based): chr20:36,904,185, T>G on the plus strand (A>C on the coding strand, the complement: SAMHD1 is on the minus strand). VCF-style: chr20-36904185-T-G. GRCh37 (hg19) VCF-style: chr20-35532588-T-G.
Other names: c.1475A>C, p.Lys492Thr (NM_001363729.2, NM_001363733.2); short protein forms K492T.
Identifiers: ClinVar variation 1717593 (VCV001717593.3), dbSNP rs2515227238, ClinGen allele CA408841048.

ClinVar aggregate classification (germline): Uncertain significance (1 of 4 stars; one submission).

Conditions:
Aicardi-Goutieres syndrome 5. Identifiers: Orphanet 51, MedGen C2749659, MONDO:0013059, OMIM 612952.

Submission:

Labcorp Genetics (formerly Invitae), Labcorp
Classification: Uncertain significance for Aicardi-Goutieres syndrome 5. Last evaluated: 2022-08-22. Review status: criteria provided, single submitter. Criteria: Invitae Variant Classification Sherloc (09022015). Collection method: clinical testing. Allele origin: germline.
Comment: This sequence change replaces lysine, which is basic and polar, with threonine, which is neutral and polar, at codon 492 of the SAMHD1 protein (p.Lys492Thr). This variant is not present in population databases (gnomAD no frequency). This variant has not been reported in the literature in individuals affected with SAMHD1-related conditions. Algorithms developed to predict the effect of missense changes on protein structure and function (SIFT, PolyPhen-2, Align-GVGD) all suggest that this variant is likely to be tolerated. In summary, the available evidence is currently insufficient to determine the role of this variant in disease. Therefore, it has been classified as a Variant of Uncertain Significance.